The following is an entry in ClinVar:

NM_002489.3(COXFA4):c.-233G>T

Gene: COXFA4 (cytochrome c oxidase associated subunit FA4; minus strand). Cytogenetic location: 7p21.3.
Variant type: single nucleotide variant.
Coding change: c.-233G>T on transcript NM_002489.3; 233 bases upstream of the start codon, G replaced by T.
Genome position (GRCh38, 1-based): chr7:10,940,290, C>A on the plus strand (G>T on the coding strand, the complement: COXFA4 is on the minus strand). VCF-style: chr7-10940290-C-A. GRCh37 (hg19) VCF-style: chr7-10979917-C-A.
Identifiers: ClinVar variation 677068 (VCV000677068.4), dbSNP rs6961268, ClinGen allele CA153886985.

ClinVar aggregate classification (germline): Likely benign. Review status: criteria provided, multiple submitters, no conflicts (2 of 4 stars). 2 submissions from 2 submitters: Likely benign (2). Last evaluated 2018-06-16.

Allele frequency attached by ClinVar (database versions not stated): 1000 Genomes Project 0.00859; 1000 Genomes Project 30x 0.00953; TOPMed 0.00958; gnomAD 0.00943.

Submissions (2):

GeneDx
Classification: Likely benign. Last evaluated: 2018-06-16. Review status: criteria provided, single submitter. Criteria: GeneDx Variant Classification (06012015). Collection method: clinical testing. Allele origin: germline. Affected: yes.
Comment: This variant is considered likely benign or benign based on one or more of the following criteria: it is a conservative change, it occurs at a poorly conserved position in the protein, it is predicted to be benign by multiple in silico algorithms, and/or has population frequency not consistent with disease.

Breakthrough Genomics
Classification: Likely benign. Review status: criteria provided, single submitter. Criteria: ACMG Guidelines, 2015. Collection method: not provided. Allele origin: germline. Inheritance: Autosomal recessive inheritance. Affected: yes.